The following is an entry in ClinVar:

NC_000016.9:g.(?_8891573)_(8941682_?)del

Gene: PMM2 (phosphomannomutase 2; plus strand). Cytogenetic location: 16p13.2.
Variant type: Deletion.
Identifiers: ClinVar variation 3243358 (VCV003243358.1).

ClinVar aggregate classification (germline): Pathogenic (1 of 4 stars; one submission).

Conditions:
PMM2-congenital disorder of glycosylation. Also called: CDG Ia; JAEKEN SYNDROME; PHOSPHOMANNOMUTASE 2 DEFICIENCY; CARBOHYDRATE-DEFICIENT GLYCOPROTEIN SYNDROME, TYPE Ia; Congenital disorder of glycosylation, type Ia; PMM2-CDG. Identifiers: Orphanet 79318, MedGen C0349653, MONDO:0008907, OMIM 212065.

Submission:

Labcorp Genetics (formerly Invitae), Labcorp
Classification: Pathogenic for PMM2-congenital disorder of glycosylation. Last evaluated: 2023-09-13. Review status: criteria provided, single submitter. Criteria: Invitae Variant Classification Sherloc (09022015). Collection method: clinical testing. Allele origin: unknown.
Comment: For these reasons, this variant has been classified as Pathogenic. This variant has not been reported in the literature in individuals affected with PMM2-related conditions. A gross deletion of the genomic region encompassing the full coding sequence of the PMM2 gene has been identified. Loss-of-function variants in PMM2 are known to be pathogenic (PMID: 19862844). The boundaries of this event are unknown as they extend beyond the assayed region for this gene and therefore may encompass additional genes.

Literature cited by the submitters: PubMed 19862844.